The following is an entry in ClinVar:

ClinVar aggregate classification (germline): Pathogenic (1 of 4 stars; one submission).

Conditions:
Hereditary spastic paraplegia 30. Identifiers: Orphanet 101010, MedGen C5235139, MONDO:0012476.
Neuropathy, hereditary sensory, type 2C. Also called: Hereditary sensory and autonomic neuropathy type IIC; KIF1A-Related HSAN2 (HSAN2C). Identifiers: Orphanet 970, MedGen C3280168, MONDO:0013634, OMIM 614213.
Intellectual disability, autosomal dominant 9 (NESCAVS). Also called: NESCAV SYNDROME; KIF1A-Related Neurodevelopmental Disorder. Identifiers: Orphanet 662367, MedGen C5393830, MONDO:0013656, OMIM 614255.

Submission:

Labcorp Genetics (formerly Invitae), Labcorp
Classification: Pathogenic for Hereditary spastic paraplegia 30; Neuropathy, hereditary sensory, type 2C; Intellectual disability, autosomal dominant 9. Last evaluated: 2024-03-07. Review status: criteria provided, single submitter. Criteria: Invitae Variant Classification Sherloc (09022015). Collection method: clinical testing. Allele origin: germline.
Comment: This sequence change creates a premature translational stop signal (p.Ala4Leufs*3) in the KIF1A gene. It is expected to result in an absent or disrupted protein product. Loss-of-function variants in KIF1A are known to be pathogenic (PMID: 21820098). This variant is not present in population databases (gnomAD no frequency). This variant has not been reported in the literature in individuals affected with KIF1A-related conditions. ClinVar contains an entry for this variant (Variation ID: 850864). For these reasons, this variant has been classified as Pathogenic.

Literature cited by the submitters: PubMed 21820098.

NM_001244008.2(KIF1A):c.10del (p.Ala4fs)

Gene: KIF1A (kinesin family member 1A; minus strand). Cytogenetic location: 2q37.3.
Variant type: Deletion.
Coding change: c.10del on transcript NM_001244008.2 (MANE Select); coding-DNA position 10, one base deleted (G; older notation c.10delG).
Protein change: p.Ala4fs; shifts the reading frame from alanine 4.
Molecular consequence: frameshift variant.
Genome position (GRCh38, 1-based): chr2:240,797,743, C deleted on the plus strand (G on the coding strand, the reverse complement: KIF1A is on the minus strand); the first of 4 consecutive C bases (chr2:240,797,743-240,797,746); deleting any one gives the same sequence. VCF-style (leftmost placement, unchanged base first): chr2-240797742-GC-G. GRCh37 (hg19) VCF-style: chr2-241737159-GC-G.
Other names: c.10del, p.Ala4fs (NM_001320705.2, NM_001330289.2, NM_001330290.2 and 20 more transcripts); short protein forms A4fs.
Identifiers: ClinVar variation 850864 (VCV000850864.10), dbSNP rs2056562900, ClinGen allele CA916082556.